The following is an entry in ClinVar:

ClinVar aggregate classification (germline): Pathogenic (1 of 4 stars; one submission).

Conditions:
Lymphatic malformation 6 (LMPHM6). Also called: GENERALIZED LYMPHATIC DYSPLASIA OF FOTIOU; Lymphedema, hereditary, III; PIEZO1-related generalized lymphatic dysplasia with non-immune hydrops fetalis. Identifiers: Orphanet 568062, MedGen C4225184, MONDO:0014797, OMIM 616843.

Submission:

New York Genome Center
Classification: Pathogenic for Lymphatic malformation 6. Last evaluated: 2023-11-21. Review status: criteria provided, single submitter. Criteria: NYGC Assertion Criteria 2020. Collection method: clinical testing. Allele origin: germline. Affected: yes. Observed: 1 variant allele, 1 compound heterozygote.
Comment: The c.4446_4462del variant in PIEZO1 has not previously been reported in the literature or public variant repositories (ClinVar and LOVD). The c.4446_4462del variant is observed in 1 allele (~0.00 % minor allele frequency with 0 homozygotes) in the population database (gnomAD v4), suggesting it is not a common benign variant in the populations represented in this database. c.4446_4462del variant in PIEZO1 is located in exon 33 of this 51-exon gene, predicted to incorporate a premature termination codon (p.(Pro1483AlafsTer36)) and is expected to result in loss-of-function via nonsense mediated decay. Multiple loss-of-function variants that are downstream to the c.4446_4462del variant have been reported in individuals with lymphatic dysplasia. Based on available evidence the c.4446_4462del p.(Pro1483AlafsTer36) variant identified in PIEZO1 is classified as Pathogenic.

NM_001142864.4(PIEZO1):c.4446_4462del

Gene: PIEZO1 (piezo type mechanosensitive ion channel component 1 (Er blood group); minus strand). Cytogenetic location: 16q24.3.
Variant type: Deletion.
Coding change: c.4446_4462del on transcript NM_001142864.4 (MANE Select); coding-DNA positions 4446 to 4462, 17 bases deleted (TCCCAGCCAGGAGGTGG).
Genome position (GRCh38, 1-based): chr16:88,723,128-88,723,144, CCACCTCCTGGCTGGGA deleted on the plus strand (TCCCAGCCAGGAGGTGG on the coding strand, the reverse complement: PIEZO1 is on the minus strand); deleting any 17 consecutive bases within chr16:88,723,128-88,723,155 gives the same sequence; the c. name uses the placement nearest the transcript's 3' end. VCF-style (leftmost placement, unchanged base first): chr16-88723127-TCCACCTCCTGGCTGGGA-T. GRCh37 (hg19) VCF-style: chr16-88789535-TCCACCTCCTGGCTGGGA-T.
Identifiers: ClinVar variation 4888326 (VCV004888326.1).
Genomic context (GRCh38, chr16:88,723,127, plus strand): 5'-CCCACTCCCCAGCCCCGGGCCCACGTACCTGCCGCTGCCTCCTCGGGGCCCTCTGCTGGC[TCCACCTCCTGGCTGGGA>T]CCACCTCCTGGGCACAGGATGCTGGTGAGTGACTGGCAGTCCCGCGGCTTCCCCTCAGAG-3'